The following is an entry in ClinVar:

ClinVar aggregate classification (germline): Pathogenic/Likely pathogenic. Review status: criteria provided, multiple submitters, no conflicts (2 of 4 stars). 2 submissions from 2 submitters: Pathogenic (1); Likely pathogenic (1). Last evaluated 2025-08-11.

Conditions:
Long QT syndrome (LQTS). Identifiers: MedGen C0023976, MeSH D008133, MONDO:0002442. Disease mechanism: loss of function. Inheritance: Various modes of inheritance.

Submissions (2):

Labcorp Genetics (formerly Invitae), Labcorp
Classification: Pathogenic for Long QT syndrome. Last evaluated: 2025-08-11. Review status: criteria provided, single submitter. Criteria: Invitae Variant Classification Sherloc (09022015). Collection method: clinical testing. Allele origin: germline.
Comment: This sequence change creates a premature translational stop signal (p.Val1038Glyfs*83) in the KCNH2 gene. While this is not anticipated to result in nonsense mediated decay, it is expected to disrupt the last 122 amino acid(s) of the KCNH2 protein. This variant is not present in population databases (gnomAD no frequency). This premature translational stop signal has been observed in individual(s) with Long QT syndrome (PMID: 15840476; internal data). ClinVar contains an entry for this variant (Variation ID: 503659). This variant disrupts a region of the KCNH2 protein in which other variant(s) (p.Glu1119*) have been determined to be pathogenic (PMID: 27920829). This suggests that this is a clinically significant region of the protein, and that variants that disrupt it are likely to be disease-causing. For these reasons, this variant has been classified as Pathogenic.

GeneDx
Classification: Likely pathogenic. Last evaluated: 2018-01-23. Review status: criteria provided, single submitter. Criteria: GeneDx Variant Classification (06012015). Collection method: clinical testing. Allele origin: germline. Affected: yes.
Comment: The c.3106_3112dupGGCGACG likely pathogenic variant in the KCNH2 gene has previously been reported in an individual referred for LQTS genetic testing (Tester et al., 2005). This variant causes a shift in reading frame starting at codon valine 1038, changing it to a glycine, and creating a premature stop codon at position 83 of the new reading frame, denoted p.Val1038GlyfsX83. This likely pathogenic variant is expected to result in an abnormal, truncated protein product in which the last 122 amino acid residues of the protein are replaced with 82 aberrant residues. Other frameshift variants in the KCNH2 gene resulting in protein truncation have been reported in Human Gene Mutation Database in association with LQTS (Stenson et al., 2014), supporting the pathogenicity of protein truncation as a mechanism of disease for this gene. Furthermore, the c.3106_3112dupGGCGACG variant has not been observed in large population cohorts (Lek et al., 2016).

Literature cited by the submitters: PubMed 15840476 (cited by Labcorp Genetics (formerly Invitae), Labcorp); PubMed 27920829 (cited by Labcorp Genetics (formerly Invitae), Labcorp).

NM_000238.4(KCNH2):c.3106_3112dup (p.Val1038fs)

Gene: KCNH2 (potassium voltage-gated channel subfamily H member 2; minus strand). Cytogenetic location: 7q36.1.
Variant type: Duplication.
Coding change: c.3106_3112dup on transcript NM_000238.4 (MANE Select); coding-DNA positions 3106 to 3112, 7 bases duplicated (GGCGACG; older notation c.3106_3112dupGGCGACG).
Protein change: p.Val1038fs; shifts the reading frame from valine 1038.
Molecular consequence: frameshift variant.
Genome position (GRCh38, 1-based): chr7:150,947,368-150,947,374, CGTCGCC duplicated on the plus strand (GGCGACG on the coding strand, the reverse complement: KCNH2 is on the minus strand); duplicating any 7 consecutive bases within chr7:150,947,368-150,947,375 gives the same sequence; the c. name uses the placement nearest the transcript's 3' end. VCF-style (leftmost placement, unchanged base first): chr7-150947367-A-ACGTCGCC. GRCh37 (hg19) VCF-style: chr7-150644455-A-ACGTCGCC.
Other names: c.2086_2092dup, p.Val698fs (NM_172057.3); short protein forms V1038fs, V698fs.
Identifiers: ClinVar variation 503659 (VCV000503659.2), dbSNP rs1554424042, ClinGen allele CA658797027.